The following is an entry in ClinVar:

NM_001374828.1(ARID1B):c.3977T>C (p.Met1326Thr)

Gene: ARID1B (AT-rich interaction domain 1B; plus strand). Cytogenetic location: 6q25.3.
Variant type: single nucleotide variant.
Coding change: c.3977T>C on transcript NM_001374828.1 (MANE Select); coding-DNA position 3977, T replaced by C.
Protein change: p.Met1326Thr; replaces methionine 1326 with threonine.
Molecular consequence: missense variant.
Genome position (GRCh38, 1-based): chr6:157,189,699, T>C. VCF-style: chr6-157189699-T-C. GRCh37 (hg19) VCF-style: chr6-157510833-T-C.
Other names: c.3728T>C, p.Met1243Thr (NM_001346813.1); c.1478T>C, p.Met493Thr (NM_001363725.2); c.3857T>C, p.Met1286Thr (NM_001371656.1, NM_001374820.1); c.3818T>C, p.Met1273Thr (NM_017519.3); c.3608T>C, p.Met1203Thr (NM_020732.3); c.3395T>C, p.Met1132Thr (NM_175863.2); short protein forms M1203T, M1273T, M1286T, M1326T, M493T, M1132T, M1243T.
Identifiers: ClinVar variation 2016057 (VCV002016057.4), dbSNP rs2538499345, ClinGen allele CA366234113.

ClinVar aggregate classification (germline): Uncertain significance (1 of 4 stars; one submission).

Submission:

Labcorp Genetics (formerly Invitae), Labcorp
Classification: Uncertain significance. Last evaluated: 2024-06-03. Review status: criteria provided, single submitter. Criteria: Invitae Variant Classification Sherloc (09022015). Collection method: clinical testing. Allele origin: germline.
Comment: This sequence change replaces methionine, which is neutral and non-polar, with threonine, which is neutral and polar, at codon 1203 of the ARID1B protein (p.Met1203Thr). This variant is not present in population databases (gnomAD no frequency). This variant has not been reported in the literature in individuals affected with ARID1B-related conditions. ClinVar contains an entry for this variant (Variation ID: 2016057). Advanced modeling of protein sequence and biophysical properties (such as structural, functional, and spatial information, amino acid conservation, physicochemical variation, residue mobility, and thermodynamic stability) has been performed at Invitae for this missense variant, however the output from this modeling did not meet the statistical confidence thresholds required to predict the impact of this variant on ARID1B protein function. In summary, the available evidence is currently insufficient to determine the role of this variant in disease. Therefore, it has been classified as a Variant of Uncertain Significance.